The following is an entry in ClinVar:

NM_020988.3(GNAO1):c.572C>T (p.Thr191Ile)

Gene: GNAO1 (G protein subunit alpha o1; plus strand). Cytogenetic location: 16q13.
Variant type: single nucleotide variant.
Coding change: c.572C>T on transcript NM_020988.3 (MANE Select); coding-DNA position 572, C replaced by T.
Protein change: p.Thr191Ile; replaces threonine 191 with isoleucine.
Molecular consequence: missense variant.
Genome position (GRCh38, 1-based): chr16:56,334,836, C>T. VCF-style: chr16-56334836-C-T. GRCh37 (hg19) VCF-style: chr16-56368748-C-T.
Other names: c.572C>T, p.Thr191Ile (NM_138736.3); short protein forms T191I.
Identifiers: ClinVar variation 4030513 (VCV004030513.2).

ClinVar aggregate classification (germline): Uncertain significance (1 of 4 stars; one submission).

Conditions:
Inborn genetic diseases. Identifiers: MedGen C0950123, MeSH D030342.

gnomAD v4.1: 1 of 1,614,036 alleles (0.000062%); highest among the groups gnomAD compares: Non-Finnish European, 0.000085%; no homozygotes.

Submission:

Ambry Genetics
Classification: Uncertain significance for Inborn genetic diseases. Last evaluated: 2025-09-18. Review status: criteria provided, single submitter. Criteria: Ambry Variant Classification Scheme 2023. Collection method: clinical testing. Allele origin: germline.
Comment: The c.572C>T (p.T191I) alteration is located in exon 5 (coding exon 5) of the GNAO1 gene. This alteration results from a C to T substitution at nucleotide position 572, causing the threonine (T) at amino acid position 191 to be replaced by an isoleucine (I). This variant was not reported in population-based cohorts in the Genome Aggregation Database (gnomAD). This amino acid position is highly conserved in available vertebrate species. This missense alteration is located in a region that has a low rate of benign missense variation (Lek, 2016; Firth, 2009). This alteration is predicted to be deleterious by in silico analysis. Based on insufficient or conflicting evidence, the clinical significance of this alteration remains unclear.